The following is an entry in ClinVar:

ClinVar aggregate classification (germline): Uncertain significance (1 of 4 stars; one submission).

Conditions:
Cardiovascular phenotype. Identifiers: MedGen CN230736.

Allele frequency attached by ClinVar (database versions not stated): gnomAD exomes below 0.00001.
gnomAD v4.1: 2 of 1,549,616 alleles (0.00013%); highest among the groups gnomAD compares: Non-Finnish European, 0.00017%; no homozygotes.

Submission:

Ambry Genetics
Classification: Uncertain significance for Cardiovascular phenotype. Last evaluated: 2019-12-19. Review status: criteria provided, single submitter. Criteria: Ambry Variant Classification Scheme 2023. Collection method: clinical testing. Allele origin: germline.
Comment: The p.W48C variant (also known as c.144G>C), located in coding exon 1 of the LOX gene, results from a G to C substitution at nucleotide position 144. The tryptophan at codon 48 is replaced by cysteine, an amino acid with highly dissimilar properties. This amino acid position is well conserved in available vertebrate species. In addition, the in silico prediction for this alteration is inconclusive. Since supporting evidence is limited at this time, the clinical significance of this alteration remains unclear.

NM_002317.7(LOX):c.144G>C (p.Trp48Cys)

Genes: LOX (lysyl oxidase; minus strand), SRFBP1 (serum response factor binding protein 1; plus strand). Cytogenetic location: 5q23.1.
Variant type: single nucleotide variant.
Coding change: c.144G>C on transcript NM_002317.7 (MANE Select); coding-DNA position 144, G replaced by C.
Protein change: p.Trp48Cys; replaces tryptophan 48 with cysteine.
Molecular consequence: missense variant.
Genome position (GRCh38, 1-based): chr5:122,077,842, C>G on the plus strand (G>C on the coding strand, the complement: LOX is on the minus strand). VCF-style: chr5-122077842-C-G. GRCh37 (hg19) VCF-style: chr5-121413537-C-G.
Other names: short protein forms W48C.
Identifiers: ClinVar variation 1772912 (VCV001772912.2), dbSNP rs2532918070, ClinGen allele CA360878029.
Genomic context (GRCh38, chr5:122,077,842, plus strand): 5'-GCGCTGAGGCTGGTACTGTGAGCCCAGGCTCAGCAAGCTGAACACCTGCCCGTTGTTCTC[C>G]CATTGGATCTGCTGGCGCCAGGCGCCCGGAGCCGCCGGCGGCTCGCGCGGGGGCTGCTGT-3'
Protein context (NP_002308.2, residues 38-58): APGAWRQQIQ[Trp48Cys]ENNGQVFSLL